The following is an entry in ClinVar:

ClinVar aggregate classification (germline): Uncertain significance. Review status: criteria provided, multiple submitters, no conflicts (2 of 4 stars). 5 submissions from 5 submitters: Uncertain significance (5). Last evaluated 2026-04-15.

Conditions:
Inborn genetic diseases. Identifiers: MedGen C0950123, MeSH D030342.

Allele frequency attached by ClinVar (database versions not stated): gnomAD 0.00001; gnomAD exomes 0.00001; TOPMed 0.00003.
gnomAD v4.1: 15 of 1,435,928 alleles (0.001%); highest among the groups gnomAD compares: Admixed American, 0.0051%; no homozygotes.

Submissions (5):

Women's Health and Genetics/Laboratory Corporation of America, LabCorp
Classification: Uncertain significance. Last evaluated: 2026-04-15. Review status: criteria provided, single submitter. Criteria: LabCorp Variant Classification Summary - May 2015. Collection method: clinical testing. Allele origin: germline.
Comment: Variant summary: AFG3L2 c.31C>G (p.Arg11Gly) results in a non-conservative amino acid change in the encoded protein sequence. Algorithms developed to predict the effect of missense changes on protein structure and function are either unavailable or do not agree on the potential impact of this missense change. The variant allele was found at a frequency of 1.4e-05 in 70810 control chromosomes. The available data on variant occurrences in the general population are insufficient to allow any conclusion about variant significance. To our knowledge, no occurrence of c.31C>G in individuals affected with AFG3L2-related conditions and no experimental evidence demonstrating its impact on protein function have been reported. ClinVar contains an entry for this variant (Variation ID: 805328). Based on the evidence outlined above, the variant was classified as uncertain significance.

GeneDx
Classification: Uncertain significance. Last evaluated: 2025-04-17. Review status: criteria provided, single submitter. Criteria: GeneDx Variant Classification Process June 2021. Collection method: clinical testing. Allele origin: germline.
Comment: Not observed at significant frequency in large population cohorts (gnomAD); In silico analysis indicates that this missense variant does not alter protein structure/function; Has not been previously published as pathogenic or benign to our knowledge

Labcorp Genetics (formerly Invitae), Labcorp
Classification: Uncertain significance. Last evaluated: 2023-12-07. Review status: criteria provided, single submitter. Criteria: Invitae Variant Classification Sherloc (09022015). Collection method: clinical testing. Allele origin: germline.
Comment: This sequence change replaces arginine, which is basic and polar, with glycine, which is neutral and non-polar, at codon 11 of the AFG3L2 protein (p.Arg11Gly). The frequency data for this variant in the population databases is considered unreliable, as metrics indicate poor data quality at this position in the gnomAD database. This variant has not been reported in the literature in individuals affected with AFG3L2-related conditions. ClinVar contains an entry for this variant (Variation ID: 805328). Advanced modeling of protein sequence and biophysical properties (such as structural, functional, and spatial information, amino acid conservation, physicochemical variation, residue mobility, and thermodynamic stability) performed at Invitae indicates that this missense variant is not expected to disrupt AFG3L2 protein function with a negative predictive value of 95%. In summary, the available evidence is currently insufficient to determine the role of this variant in disease. Therefore, it has been classified as a Variant of Uncertain Significance.

Ambry Genetics
Classification: Uncertain significance for Inborn genetic diseases. Last evaluated: 2023-10-27. Review status: criteria provided, single submitter. Criteria: Ambry Variant Classification Scheme 2023. Collection method: clinical testing. Allele origin: germline.

Athena Diagnostics
Classification: Uncertain significance. Last evaluated: 2019-02-25. Review status: criteria provided, single submitter. Criteria: Athena Diagnostics Criteria. Collection method: clinical testing. Allele origin: germline.

NM_006796.3(AFG3L2):c.31C>G (p.Arg11Gly)

Gene: AFG3L2 (AFG3 like matrix AAA peptidase subunit 2; minus strand). Cytogenetic location: 18p11.21.
Variant type: single nucleotide variant.
Coding change: c.31C>G on transcript NM_006796.3 (MANE Select); coding-DNA position 31, C replaced by G.
Protein change: p.Arg11Gly; replaces arginine 11 with glycine.
Molecular consequence: missense variant.
Genome position (GRCh38, 1-based): chr18:12,377,052, G>C on the plus strand (C>G on the coding strand, the complement: AFG3L2 is on the minus strand). VCF-style: chr18-12377052-G-C. GRCh37 (hg19) VCF-style: chr18-12377051-G-C.
Other names: c.31C>G (NM_006796.2); short protein forms R11G.
Identifiers: ClinVar variation 805328 (VCV000805328.8), dbSNP rs1050447923, ClinGen allele CA296726475.